The following is an entry in ClinVar:

ClinVar aggregate classification (germline): Conflicting classifications of pathogenicity. Review status: criteria provided, conflicting classifications (1 of 4 stars). 2 submissions from 2 submitters: Uncertain significance (1); Likely benign (1). Last evaluated 2025-11-23.

Allele frequency attached by ClinVar (database versions not stated): gnomAD 0.00005 and 0.00007; ExAC 0.00006; TOPMed 0.00007; ESP Exome Variant Server 0.00008; 1000 Genomes Project 30x 0.00016; 1000 Genomes Project 0.00020.
gnomAD v4.1: 88 of 1,612,214 alleles (0.0055%); highest among the groups gnomAD compares: East Asian, 0.02%; no homozygotes.

Submissions (2):

Labcorp Genetics (formerly Invitae), Labcorp
Classification: Likely benign. Last evaluated: 2025-11-23. Review status: criteria provided, single submitter. Criteria: Invitae Variant Classification Sherloc (09022015). Collection method: clinical testing. Allele origin: germline.

GeneDx
Classification: Uncertain significance. Last evaluated: 2022-01-19. Review status: criteria provided, single submitter. Criteria: GeneDx Variant Classification Process June 2021. Collection method: clinical testing. Allele origin: germline. Affected: yes.
Comment: In silico analysis supports that this missense variant does not alter protein structure/function; Has not been previously published as pathogenic or benign to our knowledge

NM_183357.3(ADCY5):c.2564C>T (p.Thr855Met)

Gene: ADCY5 (adenylate cyclase 5; minus strand). Cytogenetic location: 3q21.1.
Variant type: single nucleotide variant.
Coding change: c.2564C>T on transcript NM_183357.3 (MANE Select); coding-DNA position 2564, C replaced by T.
Protein change: p.Thr855Met; replaces threonine 855 with methionine.
Molecular consequence: missense variant.
Genome position (GRCh38, 1-based): chr3:123,303,215, G>A on the plus strand (C>T on the coding strand, the complement: ADCY5 is on the minus strand). VCF-style: chr3-123303215-G-A. GRCh37 (hg19) VCF-style: chr3-123022062-G-A.
Other names: c.1514C>T, p.Thr505Met (NM_001199642.1); c.2564C>T, p.Thr855Met (NM_001378259.1); short protein forms T505M, T855M.
Identifiers: ClinVar variation 1698022 (VCV001698022.7), dbSNP rs138954200, ClinGen allele CA2577064.
Genomic context (GRCh38, chr3:123,303,215, plus strand): 5'-TGGCTCGCGCTGATGTTGTGCTCCTGTGCCAAGCAGCCCAGCAGGTCCCTGGAGTTGCAC[G>A]TGAACTGGGGGGAGGAAGGAGGGTGATGAGGGGAGGGTAAGCTGCTGGGGGACAGGTAGA-3'
Protein context (NP_899200.1, residues 845-865): VFLAAFVNMF[Thr855Met]CNSRDLLGCL